The following is an entry in ClinVar:

ClinVar aggregate classification (germline): Benign/Likely benign. Review status: criteria provided, multiple submitters, no conflicts (2 of 4 stars). 4 submissions from 4 submitters: Benign (1); Likely benign (3). Last evaluated 2026-01-12.

Allele frequency attached by ClinVar (database versions not stated): ExAC 0.00003; gnomAD exomes 0.00005 and 0.00009; ESP Exome Variant Server 0.00008; TOPMed 0.00009; gnomAD 0.00014 and 0.00015.
gnomAD v4.1: 161 of 1,612,996 alleles (0.01%); highest among the groups gnomAD compares: Non-Finnish European, 0.012%; no homozygotes.

Submissions (4):

Labcorp Genetics (formerly Invitae), Labcorp
Classification: Likely benign. Last evaluated: 2026-01-12. Review status: criteria provided, single submitter. Criteria: Invitae Variant Classification Sherloc (09022015). Collection method: clinical testing. Allele origin: germline.

Blueprint Genetics
Classification: Likely benign. Last evaluated: 2024-10-08. Review status: criteria provided, single submitter. Criteria: ACMG Guidelines, 2015. Collection method: clinical testing. Allele origin: germline.

Women's Health and Genetics/Laboratory Corporation of America, LabCorp
Classification: Benign. Last evaluated: 2019-07-10. Review status: criteria provided, single submitter. Criteria: LabCorp Variant Classification Summary - May 2015. Collection method: clinical testing. Allele origin: germline.
Comment: Variant summary: POLE c.6657+9T>C alters a non-conserved nucleotide located close to a canonical splice site and therefore could affect mRNA splicing, leading to a significantly altered protein sequence. 5/5 computational tools predict no significant impact on normal splicing. However, these predictions have yet to be confirmed by functional studies. The variant allele was found at a frequency of 7.1e-05 in 281918 control chromosomes, predominantly at a frequency of 0.00013 within the Non-Finnish European subpopulation in the gnomAD database. The observed variant frequency within Non-Finnish European control individuals in the gnomAD database is approximately 9 fold of the estimated maximal expected allele frequency for a pathogenic variant in POLE causing Colorectal Cancer phenotype (1.4e-05), strongly suggesting that the variant is a benign polymorphism. To our knowledge, no occurrence of c.6657+9T>C in individuals affected with Colorectal Cancer and no experimental evidence demonstrating its impact on protein function have been reported. Two submitters have provided clinical-significance assessments for this variant to ClinVar after 2014 without evidence for independent evaluation, and classified the variant as likely benign. Based on the evidence outlined above, the variant was classified as benign.

GeneDx
Classification: Likely benign. Last evaluated: 2017-10-16. Review status: criteria provided, single submitter. Criteria: GeneDx Variant Classification (06012015). Collection method: clinical testing. Allele origin: germline. Affected: yes.
Comment: This variant is considered likely benign or benign based on one or more of the following criteria: it is a conservative change, it occurs at a poorly conserved position in the protein, it is predicted to be benign by multiple in silico algorithms, and/or has population frequency not consistent with disease.

NM_006231.4(POLE):c.6657+9T>C

Gene: POLE (DNA polymerase epsilon, catalytic subunit; minus strand). Cytogenetic location: 12q24.33.
Variant type: single nucleotide variant.
Coding change: c.6657+9T>C on transcript NM_006231.4 (MANE Select); 9 bases into the intron after coding-DNA position 6657, T replaced by C.
Molecular consequence: intron variant.
Genome position (GRCh38, 1-based): chr12:132,625,636, A>G on the plus strand (T>C on the coding strand, the complement: POLE is on the minus strand). VCF-style: chr12-132625636-A-G. GRCh37 (hg19) VCF-style: chr12-133202222-A-G.
Identifiers: ClinVar variation 240609 (VCV000240609.13), dbSNP rs375333174, ClinGen allele CA6892111.